The following is an entry in ClinVar:

ClinVar aggregate classification (germline): Uncertain significance (1 of 4 stars; one submission).

Conditions:
FG syndrome (FGS). Identifiers: MedGen C0220769, MONDO:0002010.

gnomAD v4.1: 1 of 1,209,677 alleles (0.000083%); highest among the groups gnomAD compares: Non-Finnish European, 0.00011%; no homozygotes.

Submission:

Labcorp Genetics (formerly Invitae), Labcorp
Classification: Uncertain significance for FG syndrome. Last evaluated: 2025-03-22. Review status: criteria provided, single submitter. Criteria: Invitae Variant Classification Sherloc (09022015). Collection method: clinical testing. Allele origin: germline.
Comment: This sequence change replaces serine, which is neutral and polar, with proline, which is neutral and non-polar, at codon 1925 of the MED12 protein (p.Ser1925Pro). This variant is not present in population databases (gnomAD no frequency). This variant has not been reported in the literature in individuals affected with MED12-related conditions. ClinVar contains an entry for this variant (Variation ID: 1424405). Invitae Evidence Modeling of protein sequence and biophysical properties (such as structural, functional, and spatial information, amino acid conservation, physicochemical variation, residue mobility, and thermodynamic stability) indicates that this missense variant is not expected to disrupt MED12 protein function with a negative predictive value of 95%. In summary, the available evidence is currently insufficient to determine the role of this variant in disease. Therefore, it has been classified as a Variant of Uncertain Significance.

NM_005120.3(MED12):c.5773T>C (p.Ser1925Pro)

Gene: MED12 (mediator complex subunit 12; plus strand). Cytogenetic location: Xq13.1.
Variant type: single nucleotide variant.
Coding change: c.5773T>C on transcript NM_005120.3 (MANE Select); coding-DNA position 5773, T replaced by C.
Protein change: p.Ser1925Pro; replaces serine 1925 with proline.
Molecular consequence: missense variant.
Genome position (GRCh38, 1-based): chrX:71,137,582, T>C. VCF-style: chrX-71137582-T-C. GRCh37 (hg19) VCF-style: chrX-70357432-T-C.
Other names: short protein forms S1925P.
Identifiers: ClinVar variation 1424405 (VCV001424405.8), dbSNP rs2147830190, ClinGen allele CA413537836.